The following is an entry in ClinVar:

ClinVar aggregate classification (germline): Likely benign. Review status: criteria provided, multiple submitters, no conflicts (2 of 4 stars). 4 submissions from 4 submitters: Likely benign (3). 1 of the submissions does not count toward it. Last evaluated 2025-12-26.

Conditions:
FAT1-related disorder. Also called: FAT1-related condition.
Inborn genetic diseases. Identifiers: MedGen C0950123, MeSH D030342.

Allele frequency attached by ClinVar (database versions not stated): gnomAD exomes 0.00016 and 0.00033; ExAC 0.00043; ESP Exome Variant Server 0.00117; gnomAD 0.00147 and 0.00154; TOPMed 0.00151; 1000 Genomes Project 30x 0.00156; 1000 Genomes Project 0.00200.
gnomAD v4.1: 493 of 1,611,844 alleles (0.031%); highest among the groups gnomAD compares: African/African-American, 0.55%; 5 homozygotes.

Submissions (4):

Labcorp Genetics (formerly Invitae), Labcorp
Classification: Likely benign. Last evaluated: 2025-12-26. Review status: criteria provided, single submitter. Criteria: Invitae Variant Classification Sherloc (09022015). Collection method: clinical testing. Allele origin: germline.

Mayo Clinic Laboratories, Mayo Clinic
Classification: Likely benign. Last evaluated: 2025-10-17. Review status: criteria provided, single submitter. Criteria: ACMG Guidelines, 2015. Collection method: clinical testing. Allele origin: germline. Observed: 1 variant allele.
Comment: BS1, BP4

Ambry Genetics
Classification: Likely benign for Inborn genetic diseases. Last evaluated: 2025-08-08. Review status: criteria provided, single submitter. Criteria: Ambry Variant Classification Scheme 2023. Collection method: clinical testing. Allele origin: germline.

PreventionGenetics, part of Exact Sciences
Classification: Likely benign for FAT1-related condition. Last evaluated: 2021-01-04. Review status: no assertion criteria provided. Collection method: clinical testing. Allele origin: germline. Not counted in ClinVar's aggregate classification.
Comment: This variant is classified as likely benign based on ACMG/AMP sequence variant interpretation guidelines (Richards et al. 2015 PMID: 25741868, with internal and published modifications).

NM_005245.4(FAT1):c.10572G>C (p.Gln3524His)

Genes: FAT1 (FAT atypical cadherin 1; minus strand), LOC126807254 (BRD4-independent group 4 enhancer GRCh37_chr4:187524269-187525468; plus strand). Cytogenetic location: 4q35.2.
Variant type: single nucleotide variant.
Coding change: c.10572G>C on transcript NM_005245.4 (MANE Select); coding-DNA position 10572, G replaced by C.
Protein change: p.Gln3524His; replaces glutamine 3524 with histidine.
Molecular consequence: missense variant.
Genome position (GRCh38, 1-based): chr4:186,603,954, C>G on the plus strand (G>C on the coding strand, the complement: FAT1 is on the minus strand). VCF-style: chr4-186603954-C-G. GRCh37 (hg19) VCF-style: chr4-187525108-C-G.
Other names: p.Gln3524His; short protein forms Q3524H.
Identifiers: ClinVar variation 720926 (VCV000720926.13), dbSNP rs181652628, ClinGen allele CA3165317.